The following is an entry in ClinVar:

NM_007294.4(BRCA1):c.968G>A (p.Gly323Glu)

Gene: BRCA1 (BRCA1 DNA repair associated; minus strand). Cytogenetic location: 17q21.31.
Variant type: single nucleotide variant.
Coding change: c.968G>A on transcript NM_007294.4 (MANE Select); coding-DNA position 968, G replaced by A.
Protein change: p.Gly323Glu; replaces glycine 323 with glutamic acid.
Molecular consequence: missense variant. On other transcripts: intron variant (137).
Genome position (GRCh38, 1-based): chr17:43,094,563, C>T on the plus strand (G>A on the coding strand, the complement: BRCA1 is on the minus strand). VCF-style: chr17-43094563-C-T. GRCh37 (hg19) VCF-style: chr17-41246580-C-T.
Other names: c.968G>A, p.Gly323Glu (NM_001407581.1, NM_001407582.1, NM_001407583.1 and 30 more transcripts); c.965G>A, p.Gly322Glu (NM_001407587.1, NM_001407590.1, NM_001407591.1 and 22 more transcripts); c.755G>A, p.Gly252Glu (NM_001407571.1, NM_001407853.1, NM_001407894.1 and 9 more transcripts); c.959G>A, p.Gly320Glu (NM_001407646.1, NM_001407647.1); c.845G>A, p.Gly282Glu (NM_001407648.1, NM_001407664.1, NM_001407665.1 and 19 more transcripts); c.842G>A, p.Gly281Glu (NM_001407649.1, NM_001407670.1, NM_001407671.1 and 11 more transcripts); c.890G>A, p.Gly297Glu (NM_001407653.1, NM_001407654.1, NM_001407655.1 and 4 more transcripts); c.887G>A, p.Gly296Glu (NM_001407659.1, NM_001407660.1, NM_001407661.1 and 1 more transcripts); and 40 more; short protein forms G276E, G323E, G234E, G275E, G322E, G195E, G196E, G253E.
Identifiers: ClinVar variation 1017178 (VCV001017178.13), dbSNP rs2054014720, ClinGen allele CA10600128.

ClinVar aggregate classification (germline): Conflicting classifications of pathogenicity. Review status: criteria provided, conflicting classifications (1 of 4 stars). 3 submissions from 3 submitters: Uncertain significance (1); Likely benign (2). Last evaluated 2025-12-11.

Conditions:
Hereditary cancer-predisposing syndrome. Also called: Tumor predisposition; Neoplastic Syndromes, Hereditary; Hereditary neoplastic syndrome; Hereditary Cancer Syndrome. Identifiers: Orphanet 140162, MedGen C0027672, MeSH D009386, MONDO:0015356.
Hereditary breast ovarian cancer syndrome. Also called: BRCA1- and BRCA2-Associated Hereditary Breast and Ovarian Cancer; Hereditary breast and/or ovarian cancer syndrome; Hereditary breast and ovarian cancer syndrome; Hereditary breast and ovarian cancer; Hereditary breast and ovarian cancer syndrome (HBOC); Breast and ovarian cancer. Identifiers: Orphanet 145, MedGen C0677776, MeSH D061325, MONDO:0003582. Disease mechanism: loss of function.

Submissions (3):

Ambry Genetics
Classification: Likely benign for Hereditary cancer-predisposing syndrome. Last evaluated: 2025-12-11. Review status: criteria provided, single submitter. Criteria: Ambry Variant Classification Scheme 2023. Collection method: clinical testing. Allele origin: germline.

Labcorp Genetics (formerly Invitae), Labcorp
Classification: Uncertain significance for Hereditary breast ovarian cancer syndrome. Last evaluated: 2023-10-05. Review status: criteria provided, single submitter. Criteria: Invitae Variant Classification Sherloc (09022015). Collection method: clinical testing. Allele origin: germline.
Comment: This sequence change replaces glycine, which is neutral and non-polar, with glutamic acid, which is acidic and polar, at codon 323 of the BRCA1 protein (p.Gly323Glu). This variant is not present in population databases (gnomAD no frequency). This variant has not been reported in the literature in individuals affected with BRCA1-related conditions. ClinVar contains an entry for this variant (Variation ID: 1017178). Advanced modeling of protein sequence and biophysical properties (such as structural, functional, and spatial information, amino acid conservation, physicochemical variation, residue mobility, and thermodynamic stability) performed at Invitae indicates that this missense variant is not expected to disrupt BRCA1 protein function. In summary, the available evidence is currently insufficient to determine the role of this variant in disease. Therefore, it has been classified as a Variant of Uncertain Significance.

University of Washington Department of Laboratory Medicine, University of Washington
Classification: Likely benign for Hereditary cancer-predisposing syndrome. Last evaluated: 2023-03-23. Review status: criteria provided, single submitter. Criteria: Dines et al. (Genet Med. 2020). Collection method: curation. Allele origin: germline.
Comment: Missense variant in a coldspot region where missense variants are very unlikely to be pathogenic (PMID:31911673).

BRCA1 coldspot (exon 11 using historical exon numbering). Reclassification based on statistical prior probability